The following is an entry in ClinVar:

ClinVar aggregate classification (germline): Benign. Review status: criteria provided, multiple submitters, no conflicts (2 of 4 stars). 2 submissions from 2 submitters: Benign (2). Last evaluated 2018-06-14.

Allele frequency attached by ClinVar (database versions not stated): gnomAD exomes 0.00312; gnomAD 0.01781 and 0.01799; 1000 Genomes Project 0.18291.
gnomAD v4.1: 4,393 of 969,242 alleles (0.45%); highest among the groups gnomAD compares: African/African-American, 4.5%; 179 homozygotes.

Submissions (2):

GeneDx
Classification: Benign. Last evaluated: 2018-06-14. Review status: criteria provided, single submitter. Criteria: GeneDx Variant Classification (06012015). Collection method: clinical testing. Allele origin: germline. Affected: yes.
Comment: This variant is considered likely benign or benign based on one or more of the following criteria: it is a conservative change, it occurs at a poorly conserved position in the protein, it is predicted to be benign by multiple in silico algorithms, and/or has population frequency not consistent with disease.

Breakthrough Genomics
Classification: Benign. Review status: criteria provided, single submitter. Criteria: ACMG Guidelines, 2015. Collection method: not provided. Allele origin: germline. Inheritance: Autosomal dominant inheritance. Affected: yes.

NM_139276.3(STAT3):c.551-64A>C

Gene: STAT3 (signal transducer and activator of transcription 3; minus strand). Cytogenetic location: 17q21.2.
Variant type: single nucleotide variant.
Coding change: c.551-64A>C on transcript NM_139276.3 (MANE Select); 64 bases into the intron before coding-DNA position 551, A replaced by C.
Molecular consequence: intron variant.
Genome position (GRCh38, 1-based): chr17:42,337,921, T>G on the plus strand (A>C on the coding strand, the complement: STAT3 is on the minus strand). VCF-style: chr17-42337921-T-G. GRCh37 (hg19) VCF-style: chr17-40489939-T-G.
Other names: c.455-64A>C (NM_001384989.1); c.551-64A>C (NM_001384992.1, NM_001384984.1, NM_001369519.1 and 15 more transcripts); c.473-64A>C (NM_001384985.1).
Identifiers: ClinVar variation 677558 (VCV000677558.2), dbSNP rs62075766, ClinGen allele CA14378875.
Genomic context (GRCh38, chr17:42,337,921, plus strand): 5'-CGAAGGAAGAAAAAACTCCTTGACCTGAGGGAATACTCCTTGACCTGAGGGAATACTCCT[T>G]GACCTGAGGGAATACTCCTGGACCTGAGGGAATACTCCTGGACCTGAGGGAATACTCCTG-3'